The following is an entry in ClinVar:

NM_000215.4(JAK3):c.424C>T (p.Arg142Cys)

Gene: JAK3 (Janus kinase 3; minus strand). Cytogenetic location: 19p13.11.
Variant type: single nucleotide variant.
Coding change: c.424C>T on transcript NM_000215.4 (MANE Select); coding-DNA position 424, C replaced by T.
Protein change: p.Arg142Cys; replaces arginine 142 with cysteine.
Molecular consequence: missense variant.
Genome position (GRCh38, 1-based): chr19:17,843,169, G>A on the plus strand (C>T on the coding strand, the complement: JAK3 is on the minus strand). VCF-style: chr19-17843169-G-A. GRCh37 (hg19) VCF-style: chr19-17953978-G-A.
Other names: short protein forms R142C.
Identifiers: ClinVar variation 418266 (VCV000418266.2), dbSNP rs773590163, ClinGen allele CA9302164.

ClinVar aggregate classification (germline): Likely pathogenic (1 of 4 stars; one submission).

Allele frequency attached by ClinVar (database versions not stated): gnomAD 0.00001; TOPMed 0.00001; ExAC 0.00003.

Submission:

GeneDx
Classification: Likely pathogenic. Last evaluated: 2015-02-11. Review status: criteria provided, single submitter. Criteria: GeneDx Variant Classification (06012015). Collection method: clinical testing. Allele origin: germline. Affected: yes.
Comment: The R142C variant has not been published as a pathogenic variant, nor has it been reported as a benign polymorphism to our knowledge. The R142C variant was not observed in approximately 6,300 individuals of European and African American ancestry in an external variant database, indicating it is not a common benign variant in these populations. The R142C variant is a non-conservative amino acid substitution, which is likely to impact secondary protein structure as these residues differ in polarity, charge, size and/or other properties, and the addition of a Cysteine residue may affect disulfide bonds. This substitution occurs at a position that is conserved across species, and in silico analysis predicts this variant is probably damaging to the protein structure/function. Therefore, this variant is a strong candidate for a pathogenic variant, however the possibility that it is a benign variant cannot be excluded.